The following is an entry in ClinVar:

ClinVar aggregate classification (germline): Uncertain significance (1 of 4 stars; one submission).

Allele frequency attached by ClinVar (database versions not stated): gnomAD 0.00001 and 0.00003; TOPMed below 0.00001 and 0.00002.

Submission:

GeneDx
Classification: Uncertain significance. Last evaluated: 2018-03-02. Review status: criteria provided, single submitter. Criteria: GeneDx Variant Classification (06012015). Collection method: clinical testing. Allele origin: germline. Affected: yes.
Comment: A variant of uncertain significance has been identified in the GJC2 gene. The c.-19-3 C>A variant hasnot been published as a pathogenic variant, nor has it been reported as a benign variant to our knowledge. This variant is not observed at a significant frequency in large population cohorts (Lek et al., 2016). Several in silico splice prediction models predict that c.-19-3 C>A destroys a natural splice acceptor site in intron 1 which may lead to abnormal gene splicing. However, in the absence of RNA/functional studies, the actual effect of this sequence change in this individual is unknown. Therefore, based on the currently available information, it is unclear whether this variant is a pathogenic variant or a rare benign variant.

NM_020435.4(GJC2):c.-19-3C>A

Gene: GJC2 (gap junction protein gamma 2; plus strand). Cytogenetic location: 1q42.13.
Variant type: single nucleotide variant.
Coding change: c.-19-3C>A on transcript NM_020435.4 (MANE Select); 3 bases into the intron before 19 bases upstream of the start codon, C replaced by A.
Molecular consequence: intron variant.
Genome position (GRCh38, 1-based): chr1:228,157,737, C>A. VCF-style: chr1-228157737-C-A. GRCh37 (hg19) VCF-style: chr1-228345438-C-A.
Identifiers: ClinVar variation 504429 (VCV000504429.2), dbSNP rs1392211368, ClinGen allele CA529465717.